The following is an entry in ClinVar:

NM_000548.5(TSC2):c.4247C>G (p.Ala1416Gly)

Gene: TSC2 (TSC complex subunit 2; plus strand). Cytogenetic location: 16p13.3.
Variant type: single nucleotide variant.
Coding change: c.4247C>G on transcript NM_000548.5 (MANE Select); coding-DNA position 4247, C replaced by G.
Protein change: p.Ala1416Gly; replaces alanine 1416 with glycine.
Molecular consequence: missense variant.
Genome position (GRCh38, 1-based): chr16:2,084,469, C>G. VCF-style: chr16-2084469-C-G. GRCh37 (hg19) VCF-style: chr16-2134470-C-G.
Other names: c.4046C>G, p.Ala1349Gly (NM_001077183.3); c.4178C>G, p.Ala1393Gly (NM_001114382.3); c.3938C>G, p.Ala1313Gly (NM_001318827.2); c.3902C>G, p.Ala1301Gly (NM_001318829.2); c.3515C>G, p.Ala1172Gly (NM_001318831.2); c.4079C>G, p.Ala1360Gly (NM_001318832.2); c.4049C>G, p.Ala1350Gly (NM_001363528.2); c.4115C>G, p.Ala1372Gly (NM_001370404.1); and 26 more; short protein forms A1149G, A1150G, A1172G, A1192G, A1193G, A1196G, A1216G, A1300G.
Identifiers: ClinVar variation 1717781 (VCV001717781.5), dbSNP rs2090510754, ClinGen allele CA394300429.

ClinVar aggregate classification (germline): Uncertain significance (1 of 4 stars; one submission).

Conditions:
Tuberous sclerosis 2 (TSC2). Identifiers: Orphanet 805, MedGen C1860707, MONDO:0013199, OMIM 613254.

Submission:

Labcorp Genetics (formerly Invitae), Labcorp
Classification: Uncertain significance for Tuberous sclerosis 2. Last evaluated: 2024-06-21. Review status: criteria provided, single submitter. Criteria: Invitae Variant Classification Sherloc (09022015). Collection method: clinical testing. Allele origin: germline.
Comment: This sequence change replaces alanine, which is neutral and non-polar, with glycine, which is neutral and non-polar, at codon 1416 of the TSC2 protein (p.Ala1416Gly). This variant is not present in population databases (gnomAD no frequency). This variant has not been reported in the literature in individuals affected with TSC2-related conditions. ClinVar contains an entry for this variant (Variation ID: 1717781). Advanced modeling of protein sequence and biophysical properties (such as structural, functional, and spatial information, amino acid conservation, physicochemical variation, residue mobility, and thermodynamic stability) performed at Invitae indicates that this missense variant is not expected to disrupt TSC2 protein function with a negative predictive value of 95%. In summary, the available evidence is currently insufficient to determine the role of this variant in disease. Therefore, it has been classified as a Variant of Uncertain Significance.